The following is an entry in ClinVar:

NM_002608.4(PDGFB):c.578C>T (p.Pro193Leu)

Gene: PDGFB (platelet derived growth factor subunit B; minus strand). Cytogenetic location: 22q13.1.
Variant type: single nucleotide variant.
Coding change: c.578C>T on transcript NM_002608.4 (MANE Select); coding-DNA position 578, C replaced by T.
Protein change: p.Pro193Leu; replaces proline 193 with leucine.
Molecular consequence: missense variant.
Genome position (GRCh38, 1-based): chr22:39,230,107, G>A on the plus strand (C>T on the coding strand, the complement: PDGFB is on the minus strand). VCF-style: chr22-39230107-G-A. GRCh37 (hg19) VCF-style: chr22-39626112-G-A.
Other names: c.578C>T (NM_002608.2); c.533C>T, p.Pro178Leu (NM_033016.3); short protein forms P193L, P178L.
Identifiers: ClinVar variation 2185154 (VCV002185154.7), dbSNP rs768337269, ClinGen allele CA10240069.

ClinVar aggregate classification (germline): Uncertain significance. Review status: criteria provided, multiple submitters, no conflicts (2 of 4 stars). 2 submissions from 2 submitters: Uncertain significance (2). Last evaluated 2025-06-18.

Conditions:
Inborn genetic diseases. Identifiers: MedGen C0950123, MeSH D030342.

Allele frequency attached by ClinVar (database versions not stated): ExAC 0.00001; gnomAD 0.00001; gnomAD exomes 0.00001; TOPMed 0.00001.
gnomAD v4.1: 27 of 1,613,684 alleles (0.0017%); highest among the groups gnomAD compares: Admixed American, 0.005%; no homozygotes.

Submissions (2):

Ambry Genetics
Classification: Uncertain significance for Inborn genetic diseases. Last evaluated: 2025-06-18. Review status: criteria provided, single submitter. Criteria: Ambry Variant Classification Scheme 2023. Collection method: clinical testing. Allele origin: germline.

Labcorp Genetics (formerly Invitae), Labcorp
Classification: Uncertain significance. Last evaluated: 2022-02-24. Review status: criteria provided, single submitter. Criteria: Invitae Variant Classification Sherloc (09022015). Collection method: clinical testing. Allele origin: germline.
Comment: In summary, the available evidence is currently insufficient to determine the role of this variant in disease. Therefore, it has been classified as a Variant of Uncertain Significance. Algorithms developed to predict the effect of missense changes on protein structure and function are either unavailable or do not agree on the potential impact of this missense change (SIFT: "Not Available"; PolyPhen-2: "Benign"; Align-GVGD: "Not Available"). This variant has not been reported in the literature in individuals affected with PDGFB-related conditions. This variant is present in population databases (rs768337269, gnomAD 0.03%). This sequence change replaces proline, which is neutral and non-polar, with leucine, which is neutral and non-polar, at codon 193 of the PDGFB protein (p.Pro193Leu).